The following is an entry in ClinVar:

ClinVar aggregate classification (germline): Likely pathogenic (1 of 4 stars; one submission).

Submission:

Dasa
Classification: Likely pathogenic. Last evaluated: 2025-03-24. Review status: criteria provided, single submitter. Criteria: DASA Assertion Criteria. Collection method: clinical testing. Allele origin: germline.
Comment: NM_000516.7(GNAS):c.7T>C (p.Cys3Arg) is a missense variant that results in the substitution of cysteine with arginine. The affected residue or protein region has prior evidence supporting clinical relevance. This variant has been reported in individuals with GNAS-related disorders (PMID: 23412865). Segregation data support an association with disease in the reported family/families (PMID: 23412865). Also, this variant is rare in population databases. Computational evidence supports a deleterious effect. Based on the currently available evidence, this variant is classified as likely pathogenic.

Literature cited by the submitters: PubMed 37669316; PubMed 26709970; PubMed 23412865.

NM_000516.7(GNAS):c.7T>C (p.Cys3Arg)

Gene: GNAS (GNAS complex locus; plus strand). Cytogenetic location: 20q13.32.
Variant type: single nucleotide variant.
Coding change: c.7T>C on transcript NM_000516.7 (MANE Select); coding-DNA position 7, T replaced by C.
Protein change: p.Cys3Arg; replaces cysteine 3 with arginine.
Molecular consequence: missense variant. On other transcripts: intron variant (11).
Genome position (GRCh38, 1-based): chr20:58,891,733, T>C. VCF-style: chr20-58891733-T-C. GRCh37 (hg19) VCF-style: chr20-57466788-T-C.
Other names: c.7T>C, p.Cys3Arg (NM_001077488.5, NM_001077489.4, NM_001309842.2 and 1 more transcripts); c.*43-3879T>C (NM_016592.5); c.44-3879T>C (NM_001410912.1); c.-38-3879T>C (NM_001309861.2); c.*1-3879T>C (NM_001077490.3); c.2069-3879T>C (NM_080425.4, NM_001410913.1); c.*159-3879T>C (NM_001309883.1); c.-39+2380T>C (NM_001438273.1, NM_001309840.2); and 1 more; short protein forms C3R.
Identifiers: ClinVar variation 4884223 (VCV004884223.2).
Genomic context (GRCh38, chr20:58,891,733, plus strand): 5'-CCCGCGCCCGCCGCCGCCGCAGCCCGGCCGCGCCCCGCCGCCGCCGCCGCCGCCATGGGC[T>C]GCCTCGGGAACAGTAAGACCGAGGACCAGCGCAACGAGGAGAAGGCGCAGCGTGAGGCCA-3'
Protein context (NP_000507.1, residues 1-13): MG[Cys3Arg]LGNSKTEDQR